The following is an entry in ClinVar:

ClinVar aggregate classification (germline): Uncertain significance (1 of 4 stars; one submission).

Submission:

Labcorp Genetics (formerly Invitae), Labcorp
Classification: Uncertain significance. Last evaluated: 2023-05-20. Review status: criteria provided, single submitter. Criteria: Invitae Variant Classification Sherloc (09022015). Collection method: clinical testing. Allele origin: germline.
Comment: In summary, the available evidence is currently insufficient to determine the role of this variant in disease. Therefore, it has been classified as a Variant of Uncertain Significance. Advanced modeling of protein sequence and biophysical properties (such as structural, functional, and spatial information, amino acid conservation, physicochemical variation, residue mobility, and thermodynamic stability) performed at Invitae indicates that this missense variant is not expected to disrupt POLR1A protein function. This variant has not been reported in the literature in individuals affected with POLR1A-related conditions. This variant is not present in population databases (gnomAD no frequency). This sequence change replaces serine, which is neutral and polar, with proline, which is neutral and non-polar, at codon 46 of the POLR1A protein (p.Ser46Pro).

NM_015425.6(POLR1A):c.136T>C (p.Ser46Pro)

Gene: POLR1A (RNA polymerase I subunit A; minus strand). Cytogenetic location: 2p11.2.
Variant type: single nucleotide variant.
Coding change: c.136T>C on transcript NM_015425.6 (MANE Select); coding-DNA position 136, T replaced by C.
Protein change: p.Ser46Pro; replaces serine 46 with proline.
Molecular consequence: missense variant.
Genome position (GRCh38, 1-based): chr2:86,100,114, A>G on the plus strand (T>C on the coding strand, the complement: POLR1A is on the minus strand). VCF-style: chr2-86100114-A-G. GRCh37 (hg19) VCF-style: chr2-86327237-A-G.
Other names: short protein forms S46P.
Identifiers: ClinVar variation 2866400 (VCV002866400.3), dbSNP rs2466502482, ClinGen allele CA347558120.